The following is an entry in ClinVar:

ClinVar aggregate classification (germline): Uncertain significance (1 of 4 stars; one submission).

Conditions:
Arrhythmogenic right ventricular dysplasia 9 (ARVD9). Also called: ARRHYTHMOGENIC RIGHT VENTRICULAR DYSPLASIA, FAMILIAL, 9; Arrhythmogenic Right Ventricular Dysplasia/Cardiomyopathy 9. Identifiers: MedGen C1836906, MONDO:0012180, OMIM 609040.

Allele frequency attached by ClinVar (database versions not stated): ExAC 0.00001; TOPMed 0.00001; gnomAD 0.00001.

Submission:

Labcorp Genetics (formerly Invitae), Labcorp
Classification: Uncertain significance for Arrhythmogenic right ventricular dysplasia 9. Last evaluated: 2025-03-19. Review status: criteria provided, single submitter. Criteria: Invitae Variant Classification Sherloc (09022015). Collection method: clinical testing. Allele origin: germline.
Comment: This sequence change replaces serine, which is neutral and polar, with glycine, which is neutral and non-polar, at codon 70 of the PKP2 protein (p.Ser70Gly). The frequency data for this variant in the population databases is considered unreliable, as metrics indicate poor data quality at this position in the gnomAD database. This variant has not been reported in the literature in individuals affected with PKP2-related conditions. ClinVar contains an entry for this variant (Variation ID: 2009586). An algorithm developed to predict the effect of missense changes on protein structure and function (PolyPhen-2) suggests that this variant is likely to be tolerated. In summary, the available evidence is currently insufficient to determine the role of this variant in disease. Therefore, it has been classified as a Variant of Uncertain Significance.

NM_001005242.3(PKP2):c.208A>G (p.Ser70Gly)

Gene: PKP2 (plakophilin 2; minus strand). Cytogenetic location: 12p11.21.
Variant type: single nucleotide variant.
Coding change: c.208A>G on transcript NM_001005242.3 (MANE Select); coding-DNA position 208, A replaced by G.
Protein change: p.Ser70Gly; replaces serine 70 with glycine.
Molecular consequence: missense variant.
Genome position (GRCh38, 1-based): chr12:32,896,524, T>C on the plus strand (A>G on the coding strand, the complement: PKP2 is on the minus strand). VCF-style: chr12-32896524-T-C. GRCh37 (hg19) VCF-style: chr12-33049458-T-C.
Other names: c.208A>G, p.Ser70Gly (NM_001407155.1, NM_001407156.1, NM_001407157.1 and 2 more transcripts); c.-619A>G (NM_001407158.1, NM_001407162.1); c.-383A>G (NM_001407159.1, NM_001407160.1); short protein forms S70G.
Identifiers: ClinVar variation 2009586 (VCV002009586.4), dbSNP rs751775528, ClinGen allele CA032687.